The following is an entry in ClinVar:

NM_001378454.1(ALMS1):c.7564G>A (p.Ala2522Thr)

Gene: ALMS1 (ALMS1 centrosome and basal body associated protein; plus strand). Cytogenetic location: 2p13.1.
Variant type: single nucleotide variant.
Coding change: c.7564G>A on transcript NM_001378454.1 (MANE Select); coding-DNA position 7564, G replaced by A.
Protein change: p.Ala2522Thr; replaces alanine 2522 with threonine.
Molecular consequence: missense variant.
Genome position (GRCh38, 1-based): chr2:73,455,185, G>A. VCF-style: chr2-73455185-G-A. GRCh37 (hg19) VCF-style: chr2-73682312-G-A.
Other names: c.7567G>A, p.Ala2523Thr (NM_015120.4); short protein forms A2522T, A2523T.
Identifiers: ClinVar variation 1488134 (VCV001488134.5), dbSNP rs2103797392, ClinGen allele CA347292970.

ClinVar aggregate classification (germline): Uncertain significance (1 of 4 stars; one submission).

Conditions:
Alstrom syndrome (ALMS). Identifiers: Orphanet 64, MedGen C0268425, MONDO:0008763, OMIM 203800.

Allele frequency attached by ClinVar (database versions not stated): gnomAD exomes below 0.00001.
gnomAD v4.1: 1 of 1,613,222 alleles (0.000062%); highest among the groups gnomAD compares: Non-Finnish European, 0.000085%; no homozygotes.

Submission:

Labcorp Genetics (formerly Invitae), Labcorp
Classification: Uncertain significance for Alstrom syndrome. Last evaluated: 2024-04-17. Review status: criteria provided, single submitter. Criteria: Invitae Variant Classification Sherloc (09022015). Collection method: clinical testing. Allele origin: germline.
Comment: This sequence change replaces alanine, which is neutral and non-polar, with threonine, which is neutral and polar, at codon 2523 of the ALMS1 protein (p.Ala2523Thr). This variant is not present in population databases (gnomAD no frequency). This variant has not been reported in the literature in individuals affected with ALMS1-related conditions. ClinVar contains an entry for this variant (Variation ID: 1488134). Experimental studies and prediction algorithms are not available or were not evaluated, and the functional significance of this variant is currently unknown. Algorithms developed to predict the effect of sequence changes on RNA splicing suggest that this variant may disrupt the consensus splice site. In summary, the available evidence is currently insufficient to determine the role of this variant in disease. Therefore, it has been classified as a Variant of Uncertain Significance.